The following is an entry in ClinVar:

ClinVar aggregate classification (germline): Conflicting classifications of pathogenicity. Review status: criteria provided, conflicting classifications (1 of 4 stars). 3 submissions from 3 submitters: Uncertain significance (1); Likely benign (2). Last evaluated 2025-12-14.

Conditions:
Trichohepatoenteric syndrome 1 (THES1). Also called: DIARRHEA, FATAL INFANTILE, WITH TRICHORRHEXIS NODOSA. Identifiers: Orphanet 84064, MedGen C4551982, MONDO:0024541, OMIM 222470.

Allele frequency attached by ClinVar (database versions not stated): gnomAD exomes below 0.00001; TOPMed below 0.00001.
gnomAD v4.1: 1 of 1,613,706 alleles (0.000062%); highest among the groups gnomAD compares: African/African-American, 0.0013%; no homozygotes.

Submissions (3):

Labcorp Genetics (formerly Invitae), Labcorp
Classification: Likely benign. Last evaluated: 2025-12-14. Review status: criteria provided, single submitter. Criteria: Invitae Variant Classification Sherloc (09022015). Collection method: clinical testing. Allele origin: germline.

Blueprint Genetics
Classification: Likely benign. Last evaluated: 2021-06-22. Review status: criteria provided, single submitter. Criteria: ACMG Guidelines, 2015. Collection method: clinical testing. Allele origin: germline.

Baylor Genetics
Classification: Uncertain significance for Trichohepatoenteric syndrome 1. Last evaluated: 2020-01-27. Review status: criteria provided, single submitter. Criteria: ACMG Guidelines, 2015. Collection method: clinical testing. Allele origin: unknown. Affected: yes.
Comment: This variant was determined to be of uncertain significance according to ACMG Guidelines, 2015 [PMID:25741868].

NM_014639.4(SKIC3):c.1413A>G (p.Thr471=)

Gene: SKIC3 (SKI3 subunit of superkiller complex; minus strand). Cytogenetic location: 5q15.
Variant type: single nucleotide variant.
Coding change: c.1413A>G on transcript NM_014639.4 (MANE Select); coding-DNA position 1413, A replaced by G.
Protein change: p.Thr471=; no amino-acid change (threonine 471 retained).
Molecular consequence: synonymous variant.
Genome position (GRCh38, 1-based): chr5:95,524,504, T>C on the plus strand (A>G on the coding strand, the complement: SKIC3 is on the minus strand). VCF-style: chr5-95524504-T-C. GRCh37 (hg19) VCF-style: chr5-94860208-T-C.
Identifiers: ClinVar variation 1030337 (VCV001030337.4), dbSNP rs1747534368, ClinGen allele CA445487888.